The following is an entry in ClinVar:

ClinVar aggregate classification (germline): Uncertain significance (1 of 4 stars; one submission).

Submission:

Labcorp Genetics (formerly Invitae), Labcorp
Classification: Uncertain significance. Last evaluated: 2022-08-09. Review status: criteria provided, single submitter. Criteria: Invitae Variant Classification Sherloc (09022015). Collection method: clinical testing. Allele origin: germline.
Comment: In summary, the available evidence is currently insufficient to determine the role of this variant in disease. Therefore, it has been classified as a Variant of Uncertain Significance. Algorithms developed to predict the effect of missense changes on protein structure and function output the following: SIFT: "Tolerated"; PolyPhen-2: "Benign"; Align-GVGD: "Class C0". The serine amino acid residue is found in multiple mammalian species, which suggests that this missense change does not adversely affect protein function. ClinVar contains an entry for this variant (Variation ID: 1364085). This variant has not been reported in the literature in individuals affected with LIG1-related conditions. This variant is not present in population databases (gnomAD no frequency). This sequence change replaces threonine, which is neutral and polar, with serine, which is neutral and polar, at codon 415 of the LIG1 protein (p.Thr415Ser).

NM_000234.3(LIG1):c.1244C>G (p.Thr415Ser)

Gene: LIG1 (DNA ligase 1; minus strand). Cytogenetic location: 19q13.33.
Variant type: single nucleotide variant.
Coding change: c.1244C>G on transcript NM_000234.3 (MANE Select); coding-DNA position 1244, C replaced by G.
Protein change: p.Thr415Ser; replaces threonine 415 with serine.
Molecular consequence: missense variant. On other transcripts: non-coding transcript variant (6).
Genome position (GRCh38, 1-based): chr19:48,137,532, G>C on the plus strand (C>G on the coding strand, the complement: LIG1 is on the minus strand). VCF-style: chr19-48137532-G-C. GRCh37 (hg19) VCF-style: chr19-48640789-G-C.
Other names: c.1151C>G, p.Thr384Ser (NM_001289063.2); c.1040C>G, p.Thr347Ser (NM_001289064.2); c.1241C>G, p.Thr414Ser (NM_001320970.2); c.1154C>G, p.Thr385Ser (NM_001320971.2); short protein forms T414S, T384S, T385S, T415S, T347S.
Identifiers: ClinVar variation 1364085 (VCV001364085.8), dbSNP rs2122633251, ClinGen allele CA406649401.